The following is an entry in ClinVar:

NM_002693.3(POLG):c.1950-1G>A

Gene: POLG (DNA polymerase gamma, catalytic subunit; minus strand). Cytogenetic location: 15q26.1.
Variant type: single nucleotide variant.
Coding change: c.1950-1G>A on transcript NM_002693.3 (MANE Select); the canonical splice acceptor site of the intron before coding-DNA position 1950, G replaced by A.
Molecular consequence: splice acceptor variant.
Genome position (GRCh38, 1-based): chr15:89,324,228, C>T on the plus strand (G>A on the coding strand, the complement: POLG is on the minus strand). VCF-style: chr15-89324228-C-T. GRCh37 (hg19) VCF-style: chr15-89867459-C-T.
Other names: c.1950-1G>A (NM_001126131.2).
Identifiers: ClinVar variation 2819302 (VCV002819302.3), dbSNP rs2509234272, ClinGen allele CA393757924.
Genomic context (GRCh38, chr15:89,324,228, plus strand): 5'-GGCATCAGCTGCTGCTTCCCCTGTTCGAGACAGTGCTTCCTGTACAGGGACTCGATGGCT[C>T]TGGGCAGAGAACAGTAGCAGCAGCAGCCGCTGATTACCAGATGCCCACTCTGGGCCAGGC-3'

ClinVar aggregate classification (germline): Likely pathogenic (1 of 4 stars; one submission).

Conditions:
Progressive sclerosing poliodystrophy (MTDPS4A). Also called: ALPERS PROGRESSIVE INFANTILE POLIODYSTROPHY; NEURONAL DEGENERATION OF CHILDHOOD WITH LIVER DISEASE, PROGRESSIVE; Alpers Syndrome; ALPERS DIFFUSE DEGENERATION OF CEREBRAL GRAY MATTER WITH HEPATIC CIRRHOSIS; Alpers-Huttenlocher Syndrome; Mitochondrial DNA Depletion Syndrome 4A. Identifiers: Orphanet 726, MedGen C0205710, MONDO:0008758, OMIM 203700.

Submission:

Labcorp Genetics (formerly Invitae), Labcorp
Classification: Likely pathogenic for Progressive sclerosing poliodystrophy. Last evaluated: 2022-12-10. Review status: criteria provided, single submitter. Criteria: Invitae Variant Classification Sherloc (09022015). Collection method: clinical testing. Allele origin: germline.
Comment: This variant has not been reported in the literature in individuals affected with POLG-related conditions. This variant is not present in population databases (gnomAD no frequency). This sequence change affects an acceptor splice site in intron 10 of the POLG gene. It is expected to disrupt RNA splicing. Variants that disrupt the donor or acceptor splice site typically lead to a loss of protein function (PMID: 16199547), and loss-of-function variants in POLG are known to be pathogenic (PMID: 18546365). Algorithms developed to predict the effect of sequence changes on RNA splicing suggest that this variant may disrupt the consensus splice site. In summary, the currently available evidence indicates that the variant is pathogenic, but additional data are needed to prove that conclusively. Therefore, this variant has been classified as Likely Pathogenic.

Literature cited by the submitters: PubMed 16199547; PubMed 18546365.